The following is an entry in ClinVar:

ClinVar aggregate classification (germline): Pathogenic (1 of 4 stars; one submission).

Conditions:
Neuronal ceroid lipofuscinosis. Also called: Neuronal Ceroid Lipofuscinoses. Identifiers: Orphanet 216, Orphanet 79263, MedGen C0027877, MONDO:0016295. Disease mechanism: loss of function.

Submission:

Women's Health and Genetics/Laboratory Corporation of America, LabCorp
Classification: Pathogenic for Neuronal ceroid lipofuscinosis. Last evaluated: 2026-05-04. Review status: criteria provided, single submitter. Criteria: LabCorp Variant Classification Summary - May 2015. Collection method: clinical testing. Allele origin: germline.
Comment: Variant summary: CLN5 c.17delA (p.Asp6AlafsX108) results in a premature termination codon, predicted to cause a truncation of the encoded protein or absence of the protein due to nonsense mediated decay, which are commonly known mechanisms for disease. The variant was absent in 234670 control chromosomes. To our knowledge, no occurrence of c.17delA in individuals affected with CLN5-related conditions and no experimental evidence demonstrating its impact on protein function have been reported. No submitters have cited clinical-significance assessments for this variant to ClinVar. Based on the evidence outlined above, the variant was classified as pathogenic.

NM_006493.4(CLN5):c.17del (p.Asp6fs)

Gene: CLN5 (CLN5 lysosomal BMP synthase; plus strand). Cytogenetic location: 13q22.3.
Variant type: Deletion.
Coding change: c.17del on transcript NM_006493.4 (MANE Select); coding-DNA position 17, one base deleted (A; older notation c.17delA).
Protein change: p.Asp6fs; shifts the reading frame from aspartic acid 6.
Molecular consequence: frameshift variant.
Genome position (GRCh38, 1-based): chr13:76,992,115, A deleted. VCF-style (leftmost placement, unchanged base first): chr13-76992114-GA-G. GRCh37 (hg19) VCF-style: chr13-77566249-GA-G.
Other names: c.17del, p.Asp6fs (NM_001366624.2); c.17delA (NM_006493.4); short protein forms D6fs.
Identifiers: ClinVar variation 4853580 (VCV004853580.1).
Genomic context (GRCh38, chr13:76,992,114, plus strand): 5'-GCGTCGCAGGCCTCGAGAGGCTCCGGAAGTACTGGGTGCAGCCTGATGGCGCAGGAGGTA[GA>G]CACGGCACAGGGCGCCGAGATGCGGCGGGGCGCGGGCGCGGCTCGGGGACGCGCTTCCTG-3'